The following is an entry in ClinVar:

ClinVar aggregate classification (germline): Uncertain significance (1 of 4 stars; one submission).

Submission:

GeneDx
Classification: Uncertain significance. Last evaluated: 2023-01-17. Review status: criteria provided, single submitter. Criteria: GeneDx Variant Classification Process June 2021. Collection method: clinical testing. Allele origin: germline. Affected: yes.
Comment: Not observed at significant frequency in large population cohorts (gnomAD); In silico analysis supports that this missense variant has a deleterious effect on protein structure/function; Has not been previously published as pathogenic or benign to our knowledge

NM_001458.5(FLNC):c.6408G>C (p.Glu2136Asp)

Genes: FLNC (filamin C; plus strand), FLNC-AS1 (FLNC antisense RNA 1; minus strand). Cytogenetic location: 7q32.1.
Variant type: single nucleotide variant.
Coding change: c.6408G>C on transcript NM_001458.5 (MANE Select); coding-DNA position 6408, G replaced by C.
Protein change: p.Glu2136Asp; replaces glutamic acid 2136 with aspartic acid.
Molecular consequence: missense variant.
Genome position (GRCh38, 1-based): chr7:128,853,761, G>C. VCF-style: chr7-128853761-G-C. GRCh37 (hg19) VCF-style: chr7-128493815-G-C.
Other names: c.6309G>C, p.Glu2103Asp (NM_001127487.2); short protein forms E2103D, E2136D.
Identifiers: ClinVar variation 2572909 (VCV002572909.1), dbSNP rs2536662798, ClinGen allele CA369212482.